The following is an entry in ClinVar:

NM_013275.6(ANKRD11):c.3783C>G (p.Asp1261Glu)

Gene: ANKRD11 (ankyrin repeat domain 11; minus strand). Cytogenetic location: 16q24.3.
Variant type: single nucleotide variant.
Coding change: c.3783C>G on transcript NM_013275.6 (MANE Select); coding-DNA position 3783, C replaced by G.
Protein change: p.Asp1261Glu; replaces aspartic acid 1261 with glutamic acid.
Molecular consequence: missense variant.
Genome position (GRCh38, 1-based): chr16:89,282,759, G>C on the plus strand (C>G on the coding strand, the complement: ANKRD11 is on the minus strand). VCF-style: chr16-89282759-G-C. GRCh37 (hg19) VCF-style: chr16-89349167-G-C.
Other names: c.3783C>G, p.Asp1261Glu (NM_001256182.2, NM_001256183.2); short protein forms D1261E.
Identifiers: ClinVar variation 2439088 (VCV002439088.4), dbSNP rs1294714307, ClinGen allele CA397159010.

ClinVar aggregate classification (germline): Conflicting classifications of pathogenicity. Review status: criteria provided, conflicting classifications (1 of 4 stars). 2 submissions from 2 submitters: Uncertain significance (1); Likely benign (1). Last evaluated 2024-09-20.

Conditions:
KBG syndrome (KBGS). Also called: ANKRD11-Related KBG Syndrome. Identifiers: Orphanet 2332, MedGen C0220687, MONDO:0007846, OMIM 148050.

Allele frequency attached by ClinVar (database versions not stated): TOPMed below 0.00001.

Submissions (2):

3billion
Classification: Likely benign for KBG syndrome. Last evaluated: 2024-09-20. Review status: criteria provided, single submitter. Criteria: ACMG Guidelines, 2015. Collection method: clinical testing. Allele origin: germline. Affected: no.
Comment: The variant was identified in at least one patient who was diagnosed with a different variant in another gene and showed no symptoms related to the gene containing the variant in question.

Revvity Omics, Revvity
Classification: Uncertain significance for KBG syndrome. Last evaluated: 2020-04-25. Review status: criteria provided, single submitter. Criteria: ACMG Guidelines, 2015. Collection method: clinical testing. Allele origin: germline.